The following is an entry in ClinVar:

ClinVar aggregate classification (germline): Pathogenic (1 of 4 stars; one submission).

Conditions:
Hereditary pheochromocytoma and paraganglioma. Also called: Hereditary Paraganglioma-Pheochromocytoma Syndromes; Hereditary paragangliomas and pheochromocytomas; Hereditary pheochromocytoma-paraganglioma. Identifiers: Orphanet 29072, MedGen C4274332, MONDO:0017366.

Submission:

Institute for Genomic Medicine (IGM) Clinical Laboratory, Nationwide Children's Hospital
Classification: Pathogenic for Hereditary pheochromocytoma and paraganglioma. Last evaluated: 2025-02-19. Review status: criteria provided, single submitter. Criteria: ACMG Guidelines, 2015. Collection method: clinical testing. Allele origin: germline.
Comment: This variant is predicted to result in loss of function through nonsense-mediated decay of the encoded transcript or premature truncation of the encoded protein in a gene in which loss of function is a known mechanism of disease (ACMG/AMP: PVS1). This variant has been reported at an elevated frequency in affected individuals/in multiple affected individuals in the literature (ACMG/AMP: PS4_Supporting; PMID:28384794). This variant is absent from or present at an exceedingly low frequency in gnomAD, a large-scale control population database (ACMG/AMP: PM2).

Literature cited by the submitters: PubMed 28384794.

NM_002382.5(MAX):c.146C>G (p.Ser49Ter)

Genes: MAX (MYC associated transcriptional regulator X; minus strand), MAX-AS1 (MAX antisense RNA 1; plus strand). Cytogenetic location: 14q23.3.
Variant type: single nucleotide variant.
Coding change: c.146C>G on transcript NM_002382.5 (MANE Select); coding-DNA position 146, C replaced by G.
Protein change: p.Ser49Ter; replaces serine 49 with a stop codon.
Molecular consequence: nonsense. On other transcripts: non-coding transcript variant (12), 5 prime UTR variant (6), missense variant (1), intron variant (1).
Genome position (GRCh38, 1-based): chr14:65,093,733, G>C on the plus strand (C>G on the coding strand, the complement: MAX is on the minus strand). VCF-style: chr14-65093733-G-C. GRCh37 (hg19) VCF-style: chr14-65560451-G-C.
Other names: c.119C>G, p.Ser40Ter (NM_001271068.2, NM_001271069.2, NM_001407095.1 and 9 more transcripts); c.-129C>G (NM_001320415.2, NM_001407105.1, NM_001407106.1 and 1 more transcripts); c.146C>G, p.Ser49Ter (NM_001407094.1, NM_001407096.1, NM_001407097.1 and 5 more transcripts); c.-222C>G (NM_001407111.1, NM_001407112.1); c.169C>G, p.Gln57Glu (NM_001407114.1); c.63+7813C>G (NM_001407098.1); short protein forms Q57E, S40*, S49*.
Identifiers: ClinVar variation 4759298 (VCV004759298.1).